The following is an entry in ClinVar:

ClinVar aggregate classification (germline): Conflicting classifications of pathogenicity. Review status: criteria provided, conflicting classifications (1 of 4 stars). 3 submissions from 3 submitters: Uncertain significance (1); Likely benign (2). Last evaluated 2025-09-05.

Conditions:
Hereditary cancer-predisposing syndrome. Also called: Tumor predisposition; Hereditary Cancer Syndrome; Hereditary neoplastic syndrome; Neoplastic Syndromes, Hereditary. Identifiers: Orphanet 140162, MedGen C0027672, MeSH D009386, MONDO:0015356.
Neurofibromatosis, type 2 (SWNV). Also called: BILATERAL ACOUSTIC NEUROFIBROMATOSIS; NF2-Related Schwannomatosis; SCHWANNOMATOSIS, VESTIBULAR. Identifiers: Orphanet 637, MedGen C0027832, MONDO:0007039, OMIM 101000. Disease mechanism: loss of function.

Allele frequency attached by ClinVar (database versions not stated): gnomAD exomes below 0.00001; gnomAD 0.00001.
gnomAD v4.1: 2 of 1,609,332 alleles (0.00012%); highest among the groups gnomAD compares: African/African-American, 0.0013%; no homozygotes.

Submissions (3):

Color Diagnostics, LLC DBA Color Health
Classification: Likely benign for Neurofibromatosis, type 2. Last evaluated: 2025-09-05. Review status: criteria provided, single submitter. Criteria: ACMG Guidelines, 2015. Collection method: clinical testing. Allele origin: germline.

Ambry Genetics
Classification: Uncertain significance for Hereditary cancer-predisposing syndrome. Last evaluated: 2023-09-19. Review status: criteria provided, single submitter. Criteria: Ambry Variant Classification Scheme 2023. Collection method: clinical testing. Allele origin: germline.
Comment: The c.886-5C>T intronic variant results from a C to T substitution 5 nucleotides upstream from coding exon 10 in the NF2 gene. This nucleotide position is well conserved in available vertebrate species. In silico splice site analysis predicts that this alteration will not have any significant effect on splicing. Since supporting evidence is limited at this time, the clinical significance of this alteration remains unclear.

Labcorp Genetics (formerly Invitae), Labcorp
Classification: Likely benign for Neurofibromatosis, type 2. Last evaluated: 2021-05-26. Review status: criteria provided, single submitter. Criteria: Invitae Variant Classification Sherloc (09022015). Collection method: clinical testing. Allele origin: germline.

NM_000268.4(NF2):c.886-5C>T

Gene: NF2 (NF2, moesin-ezrin-radixin like (MERLIN) tumor suppressor; plus strand). Cytogenetic location: 22q12.2.
Variant type: single nucleotide variant.
Coding change: c.886-5C>T on transcript NM_000268.4 (MANE Select); 5 bases into the intron before coding-DNA position 886, C replaced by T.
Molecular consequence: intron variant.
Genome position (GRCh38, 1-based): chr22:29,668,328, C>T. VCF-style: chr22-29668328-C-T. GRCh37 (hg19) VCF-style: chr22-30064317-C-T.
Other names: c.886-5C>T (NM_016418.5, NM_181832.3, NM_181825.3 and 1 more transcripts); c.447+26043C>T (NM_181833.3); c.763-5C>T (NM_181829.3); c.760-5C>T (NM_181828.3); c.637-5C>T (NM_181830.3, NM_181831.3).
Identifiers: ClinVar variation 1155712 (VCV001155712.10), dbSNP rs1157713907, ClinGen allele CA638993440.